The following is an entry in ClinVar:

NM_001101426.4(CRPPA):c.1251+2T>C

Genes: CRPPA-AS1 (CRPPA antisense RNA 1; plus strand), CRPPA (CDP-L-ribitol pyrophosphorylase A; minus strand). Cytogenetic location: 7p21.2.
Variant type: single nucleotide variant.
Coding change: c.1251+2T>C on transcript NM_001101426.4 (MANE Select); the canonical splice donor site of the intron after coding-DNA position 1251, T replaced by C.
Molecular consequence: splice donor variant.
Genome position (GRCh38, 1-based): chr7:16,216,064, A>G on the plus strand (T>C on the coding strand, the complement: CRPPA is on the minus strand). VCF-style: chr7-16216064-A-G. GRCh37 (hg19) VCF-style: chr7-16255689-A-G.
Other names: c.1101+2T>C (NM_001101417.4); c.1146+2T>C (NM_001368197.1).
Identifiers: ClinVar variation 1680742 (VCV001680742.6), dbSNP rs370373583, ClinGen allele CA154740364.

ClinVar aggregate classification (germline): Uncertain significance (1 of 4 stars; one submission).

Conditions:
Muscular dystrophy-dystroglycanopathy (congenital with brain and eye anomalies), type A, 7. Also called: WALKER-WARBURG SYNDROME OR MUSCLE-EYE-BRAIN DISEASE, ISPD-RELATED; Congenital muscular dystrophy-dystroglycanopathy with brain and eye anomalies, type A7. Identifiers: Orphanet 899, MedGen C3553330, MONDO:0013835, OMIM 614643.
Autosomal recessive limb-girdle muscular dystrophy type 2U. Also called: Muscular dystrophy-dystroglycanopathy (limb-girdle), type c, 7; MUSCULAR DYSTROPHY, LIMB-GIRDLE, TYPE 2U. Identifiers: Orphanet 352479, MedGen C5190987, MONDO:0014474, OMIM 616052.

Allele frequency attached by ClinVar (database versions not stated): gnomAD exomes 0.00001; TOPMed 0.00001; ESP Exome Variant Server 0.00009.
gnomAD v4.1: 8 of 1,579,180 alleles (0.00051%); highest among the groups gnomAD compares: Non-Finnish European, 0.00069%; no homozygotes.

Submission:

Labcorp Genetics (formerly Invitae), Labcorp
Classification: Uncertain significance for Muscular dystrophy-dystroglycanopathy (congenital with brain and eye anomalies), type A, 7; Autosomal recessive limb-girdle muscular dystrophy type 2U. Last evaluated: 2021-10-22. Review status: criteria provided, single submitter. Criteria: Invitae Variant Classification Sherloc (09022015). Collection method: clinical testing. Allele origin: germline.
Comment: Variants that disrupt the consensus splice site are a relatively common cause of aberrant splicing (PMID: 17576681, 9536098). Algorithms developed to predict the effect of sequence changes on RNA splicing suggest that this variant may disrupt the consensus splice site. This variant has not been reported in the literature in individuals affected with ISPD-related conditions. This variant is not present in population databases (ExAC no frequency). This sequence change affects a donor splice site in intron 9 of the ISPD gene. While this variant is not anticipated to result in nonsense mediated decay, it likely alters RNA splicing and results in a disrupted protein product. In summary, the available evidence is currently insufficient to determine the role of this variant in disease. Therefore, it has been classified as a Variant of Uncertain Significance.

Literature cited by the submitters: PubMed 17576681; PubMed 9536098.